The following is an entry in ClinVar:

NM_000135.4(FANCA):c.826+4del

Gene: FANCA (FA complementation group A; minus strand). Cytogenetic location: 16q24.3.
Variant type: Deletion.
Coding change: c.826+4del on transcript NM_000135.4 (MANE Select); 4 bases into the intron after coding-DNA position 826, one base deleted (A; older notation c.826+4delA).
Molecular consequence: intron variant.
Genome position (GRCh38, 1-based): chr16:89,799,601, T deleted on the plus strand (A on the coding strand, the reverse complement: FANCA is on the minus strand); the first of 2 consecutive T bases (chr16:89,799,601-89,799,602); deleting either gives the same sequence. VCF-style (leftmost placement, unchanged base first): chr16-89799600-CT-C. GRCh37 (hg19) VCF-style: chr16-89866008-CT-C.
Other names: c.826+4del (NM_001286167.3, NM_001018112.3); c.730+4del (NM_001351830.2).
Identifiers: ClinVar variation 974107 (VCV000974107.2), dbSNP rs2040369776, ClinGen allele CA1139664974.

ClinVar aggregate classification (germline): Likely pathogenic. Review status: criteria provided, single submitter (1 of 4 stars). 2 submissions from 2 submitters: Likely pathogenic (1). 1 of the submissions does not count toward it. Last evaluated 2024-06-07.

Conditions:
Fanconi anemia complementation group A (FANCA). Also called: Fanconi anemia, group A; FANCA-Related Fanconi Anemia. Identifiers: Orphanet 84, MedGen C3469521, MONDO:0009215, OMIM 227650.

Submissions (2):

Fulgent Genetics
Classification: Likely pathogenic for Fanconi anemia complementation group A. Last evaluated: 2024-06-07. Review status: criteria provided, single submitter. Criteria: ACMG Guidelines, 2015. Collection method: clinical testing. Allele origin: germline.

Leiden Open Variation Database
Classification: Pathogenic for Fanconi anemia complementation group A. Last evaluated: 2020-02-28. Review status: no assertion criteria provided. Collection method: curation. Allele origin: germline. Affected: yes. Not counted in ClinVar's aggregate classification.
Comment: Curator: Arleen D. Auerbach. Submitter to LOVD: Arleen D. Auerbach.

Literature cited by the submitters: PubMed 09399890 (cited by Leiden Open Variation Database); PubMed 12955722 (cited by Leiden Open Variation Database).